The following is an entry in ClinVar:

ClinVar aggregate classification (germline): Uncertain significance (1 of 4 stars; one submission).

Conditions:
Dystonia 16 (DYT16). Also called: DYT-PRKRA. Identifiers: Orphanet 210571, MedGen C2677567, MONDO:0012789, OMIM 612067.

Submission:

Labcorp Genetics (formerly Invitae), Labcorp
Classification: Uncertain significance for Dystonia 16. Last evaluated: 2022-05-25. Review status: criteria provided, single submitter. Criteria: Invitae Variant Classification Sherloc (09022015). Collection method: clinical testing. Allele origin: germline.
Comment: This variant has not been reported in the literature in individuals affected with PRKRA-related conditions. In summary, the available evidence is currently insufficient to determine the role of this variant in disease. Therefore, it has been classified as a Variant of Uncertain Significance. Algorithms developed to predict the effect of missense changes on protein structure and function are either unavailable or do not agree on the potential impact of this missense change (SIFT: "Deleterious"; PolyPhen-2: "Probably Damaging"; Align-GVGD: "Class C0"). This variant is not present in population databases (gnomAD no frequency). This sequence change replaces histidine, which is basic and polar, with arginine, which is basic and polar, at codon 285 of the PRKRA protein (p.His285Arg).

NM_003690.5(PRKRA):c.854A>G (p.His285Arg)

Genes: CHROMR (cholesterol induced regulator of metabolism RNA; plus strand), PRKRA (protein activator of interferon induced protein kinase EIF2AK2; minus strand). Cytogenetic location: 2q31.2.
Variant type: single nucleotide variant.
Coding change: c.854A>G on transcript NM_003690.5 (MANE Select); coding-DNA position 854, A replaced by G.
Protein change: p.His285Arg; replaces histidine 285 with arginine.
Molecular consequence: missense variant.
Genome position (GRCh38, 1-based): chr2:178,432,185, T>C on the plus strand (A>G on the coding strand, the complement: PRKRA is on the minus strand). VCF-style: chr2-178432185-T-C. GRCh37 (hg19) VCF-style: chr2-179296912-T-C.
Other names: c.821A>G, p.His274Arg (NM_001139517.2); c.779A>G, p.His260Arg (NM_001139518.2); c.515A>G, p.His172Arg (NM_001316362.2); short protein forms H260R, H274R, H172R, H285R.
Identifiers: ClinVar variation 1996025 (VCV001996025.4), dbSNP rs2468632692, ClinGen allele CA349398872.